The following is an entry in ClinVar:

ClinVar aggregate classification (germline): Likely benign. Review status: criteria provided, multiple submitters, no conflicts (2 of 4 stars). 5 submissions from 5 submitters: Likely benign (5). Last evaluated 2026-01-05.

Conditions:
Familial thoracic aortic aneurysm and aortic dissection (TAAD). Also called: Thoracic aortic aneurysms and dissections. Identifiers: Orphanet 91387, MedGen C4707243, MONDO:0019625.
Aortic aneurysm, familial thoracic 4 (AAT4). Also called: AORTIC ANEURYSM/AORTIC DISSECTION AND PATENT DUCTUS ARTERIOSUS. Identifiers: MedGen C1851504, MONDO:0007568, OMIM 132900.

Allele frequency attached by ClinVar (database versions not stated): gnomAD exomes 0.00001; ExAC 0.00002; gnomAD 0.00003 and 0.00004; TOPMed 0.00003.
gnomAD v4.1: 26 of 1,614,038 alleles (0.0016%); highest among the groups gnomAD compares: African/African-American, 0.008%; no homozygotes.

Submissions (5):

Labcorp Genetics (formerly Invitae), Labcorp
Classification: Likely benign for Aortic aneurysm, familial thoracic 4. Last evaluated: 2026-01-05. Review status: criteria provided, single submitter. Criteria: Invitae Variant Classification Sherloc (09022015). Collection method: clinical testing. Allele origin: germline.

CeGaT Center for Human Genetics Tuebingen
Classification: Likely benign. Last evaluated: 2025-05-01. Review status: criteria provided, single submitter. Criteria: CeGaT Center For Human Genetics Tuebingen Variant Classification Criteria Version 2. Collection method: clinical testing. Allele origin: germline. Affected: yes. Observed: 1 variant allele.
Comment: MYH11: BP4, BP7

All of Us Research Program, National Institutes of Health
Classification: Likely benign for Familial thoracic aortic aneurysm and aortic dissection. Last evaluated: 2023-08-15. Review status: criteria provided, single submitter. Criteria: ACMG Guidelines, 2015. Collection method: clinical testing. Allele origin: germline. Inheritance: Autosomal dominant inheritance. Observed: 1 variant allele, 1 heterozygote.
Comment: This study involves interpretation of variants in research participants for the purpose of population health screening. Participant phenotype was not available at the time of variant classification. Additional details can be found in publication PMID: 35346344, PMCID: PMC8962531

Women's Health and Genetics/Laboratory Corporation of America, LabCorp
Classification: Likely benign. Last evaluated: 2021-02-14. Review status: criteria provided, single submitter. Criteria: LabCorp Variant Classification Summary - May 2015. Collection method: clinical testing. Allele origin: germline.

Ambry Genetics
Classification: Likely benign for Familial thoracic aortic aneurysm and aortic dissection. Last evaluated: 2017-09-12. Review status: criteria provided, single submitter. Criteria: Ambry Variant Classification Scheme 2023. Collection method: clinical testing. Allele origin: germline.

NM_002474.3(MYH11):c.3396C>T (p.Ala1132=)

Gene: MYH11 (myosin heavy chain 11; minus strand). Cytogenetic location: 16p13.11.
Variant type: single nucleotide variant.
Coding change: c.3396C>T on transcript NM_002474.3 (MANE Select); coding-DNA position 3396, C replaced by T.
Protein change: p.Ala1132=; no amino-acid change (alanine 1132 retained).
Molecular consequence: synonymous variant.
Genome position (GRCh38, 1-based): chr16:15,735,476, G>A on the plus strand (C>T on the coding strand, the complement: MYH11 is on the minus strand). VCF-style: chr16-15735476-G-A. GRCh37 (hg19) VCF-style: chr16-15829333-G-A.
Other names: c.3417C>T, p.Ala1139= (NM_001040113.2, NM_001040114.2); c.3396C>T, p.Ala1132= (NM_022844.3).
Identifiers: ClinVar variation 519960 (VCV000519960.28), dbSNP rs753096245, ClinGen allele CA7922003.